The following is an entry in ClinVar:

ClinVar aggregate classification (germline): Uncertain significance. Review status: criteria provided, multiple submitters, no conflicts (2 of 4 stars). 2 submissions from 2 submitters: Uncertain significance (2). Last evaluated 2025-03-20.

Conditions:
Epidermolysis bullosa simplex with nail dystrophy (EBS5D). Identifiers: MedGen C4225309, MONDO:0014661, OMIM 616487.
Epidermolysis bullosa simplex 5B, with muscular dystrophy (EBS5B). Also called: EPIDERMOLYSIS BULLOSA SIMPLEX AND LIMB-GIRDLE MUSCULAR DYSTROPHY; Epidermolysis bullosa simplex with muscular dystrophy. Identifiers: Orphanet 257, MedGen C2931072, MONDO:0009181, OMIM 226670.
Epidermolysis bullosa simplex, Ogna type (EBS5A). Also called: Pidermolysis bullosa simplex 5A, Ogna type; EPIDERMOLYSIS BULLOSA SIMPLEX 5A, OGNA TYPE. Identifiers: Orphanet 79401, MedGen C0432317, MONDO:0007555, OMIM 131950.
Epidermolysis bullosa simplex 5C, with pyloric atresia (EBS5C). Also called: Epidermolysis bullosa simplex with pyloric atresia; PLEC-Related Epidermolysis Bullosa with Pyloric Atresia; PLEC1-Related Epidermolysis Bullosa with Pyloric Atresia. Identifiers: Orphanet 158684, MedGen C2677349, MONDO:0012807, OMIM 612138.
Autosomal recessive limb-girdle muscular dystrophy type 2Q (LGMDR17). Also called: MUSCULAR DYSTROPHY, LIMB-GIRDLE, AUTOSOMAL RECESSIVE 17. Identifiers: Orphanet 254361, MedGen C3150989, MONDO:0013390, OMIM 613723.
Inborn genetic diseases. Identifiers: MedGen C0950123, MeSH D030342.

Allele frequency attached by ClinVar (database versions not stated): ExAC 0.00001; gnomAD 0.00001; gnomAD exomes 0.00001; TOPMed 0.00002.
gnomAD v4.1: 12 of 1,613,034 alleles (0.00074%); highest among the groups gnomAD compares: African/African-American, 0.0027%; 1 homozygote.

Submissions (2):

Ambry Genetics
Classification: Uncertain significance for Inborn genetic diseases. Last evaluated: 2025-03-20. Review status: criteria provided, single submitter. Criteria: Ambry Variant Classification Scheme 2023. Collection method: clinical testing. Allele origin: germline.

Labcorp Genetics (formerly Invitae), Labcorp
Classification: Uncertain significance for Autosomal recessive limb-girdle muscular dystrophy type 2Q; Epidermolysis bullosa simplex, Ogna type; Epidermolysis bullosa simplex with nail dystrophy; Epidermolysis bullosa simplex 5C, with pyloric atresia; Epidermolysis bullosa simplex 5B, with muscular dystrophy. Last evaluated: 2024-11-06. Review status: criteria provided, single submitter. Criteria: Invitae Variant Classification Sherloc (09022015). Collection method: clinical testing. Allele origin: germline.
Comment: This sequence change replaces arginine, which is basic and polar, with tryptophan, which is neutral and slightly polar, at codon 2965 of the PLEC protein (p.Arg2965Trp). This variant is present in population databases (rs782624504, gnomAD 0.008%). This variant has not been reported in the literature in individuals affected with PLEC-related conditions. ClinVar contains an entry for this variant (Variation ID: 2185720). An algorithm developed to predict the effect of missense changes on protein structure and function (PolyPhen-2) suggests that this variant is likely to be disruptive. In summary, the available evidence is currently insufficient to determine the role of this variant in disease. Therefore, it has been classified as a Variant of Uncertain Significance.

NM_201384.3(PLEC):c.8812C>T (p.Arg2938Trp)

Gene: PLEC (plectin; minus strand). Cytogenetic location: 8q24.3.
Variant type: single nucleotide variant.
Coding change: c.8812C>T on transcript NM_201384.3 (MANE Select); coding-DNA position 8812, C replaced by T.
Protein change: p.Arg2938Trp; replaces arginine 2938 with tryptophan.
Molecular consequence: missense variant.
Genome position (GRCh38, 1-based): chr8:143,921,009, G>A on the plus strand (C>T on the coding strand, the complement: PLEC is on the minus strand). VCF-style: chr8-143921009-G-A. GRCh37 (hg19) VCF-style: chr8-144995177-G-A.
Other names: c.8893C>T, p.Arg2965Trp (NM_000445.5); c.5512C>T, p.Arg1838Trp (NM_001410941.1); c.8770C>T, p.Arg2924Trp (NM_201378.4); c.8746C>T, p.Arg2916Trp (NM_201379.3); c.9223C>T, p.Arg3075Trp (NM_201380.4); c.8716C>T, p.Arg2906Trp (NM_201381.3); c.8812C>T, p.Arg2938Trp (NM_201382.4); c.8824C>T, p.Arg2942Trp (NM_201383.3); and 1 more; short protein forms R2906W, R2938W, R2942W, R1838W, R2916W, R2924W, R3075W, R2965W.
Identifiers: ClinVar variation 2185720 (VCV002185720.5), dbSNP rs782624504, ClinGen allele CA4925177.